The following is an entry in ClinVar:

ClinVar aggregate classification (germline): Uncertain significance. Review status: criteria provided, multiple submitters, no conflicts (2 of 4 stars). 2 submissions from 2 submitters: Uncertain significance (2). Last evaluated 2025-06-26.

Conditions:
Landau-Kleffner syndrome (FESD). Also called: EPILEPSY, FOCAL, WITH SPEECH DISORDER AND WITH OR WITHOUT MENTAL RETARDATION; APHASIA, ACQUIRED, WITH EPILEPSY. Identifiers: Orphanet 1945, Orphanet 725, Orphanet 98818, MedGen C0282512, MONDO:0009509, OMIM 245570.

Allele frequency attached by ClinVar (database versions not stated): TOPMed 0.00001.

Submissions (2):

GeneDx
Classification: Uncertain significance. Last evaluated: 2025-06-26. Review status: criteria provided, single submitter. Criteria: GeneDx Variant Classification Process June 2021. Collection method: clinical testing. Allele origin: germline. Affected: yes.
Comment: Not observed at significant frequency in large population cohorts (gnomAD); In silico analysis supports that this missense variant does not alter protein structure/function; Has not been previously published as pathogenic or benign to our knowledge

Labcorp Genetics (formerly Invitae), Labcorp
Classification: Uncertain significance for Landau-Kleffner syndrome. Last evaluated: 2025-03-05. Review status: criteria provided, single submitter. Criteria: Invitae Variant Classification Sherloc (09022015). Collection method: clinical testing. Allele origin: germline.
Comment: This sequence change replaces proline, which is neutral and non-polar, with histidine, which is basic and polar, at codon 1299 of the GRIN2A protein (p.Pro1299His). This variant is not present in population databases (gnomAD no frequency). This variant has not been reported in the literature in individuals affected with GRIN2A-related conditions. ClinVar contains an entry for this variant (Variation ID: 1806619). Invitae Evidence Modeling of protein sequence and biophysical properties (such as structural, functional, and spatial information, amino acid conservation, physicochemical variation, residue mobility, and thermodynamic stability) indicates that this missense variant is not expected to disrupt GRIN2A protein function with a negative predictive value of 95%. In summary, the available evidence is currently insufficient to determine the role of this variant in disease. Therefore, it has been classified as a Variant of Uncertain Significance.

NM_001134407.3(GRIN2A):c.3896C>A (p.Pro1299His)

Gene: GRIN2A (glutamate ionotropic receptor NMDA type subunit 2A; minus strand). Cytogenetic location: 16p13.2.
Variant type: single nucleotide variant.
Coding change: c.3896C>A on transcript NM_001134407.3 (MANE Select); coding-DNA position 3896, C replaced by A.
Protein change: p.Pro1299His; replaces proline 1299 with histidine.
Molecular consequence: missense variant. On other transcripts: intron variant (1).
Genome position (GRCh38, 1-based): chr16:9,763,648, G>T on the plus strand (C>A on the coding strand, the complement: GRIN2A is on the minus strand). VCF-style: chr16-9763648-G-T. GRCh37 (hg19) VCF-style: chr16-9857505-G-T.
Other names: c.3896C>A, p.Pro1299His (NM_000833.5); c.3772+124C>A (NM_001134408.2); short protein forms P1299H.
Identifiers: ClinVar variation 1806619 (VCV001806619.4), dbSNP rs1156972587, ClinGen allele CA394706606.